The following is an entry in ClinVar:

ClinVar aggregate classification (germline): Pathogenic (1 of 4 stars; one submission).

Conditions:
Methylmalonic aciduria, cblB type (MACB). Also called: METHYLMALONIC ACIDURIA, VITAMIN B12-RESPONSIVE, DUE TO DEFECT IN SYNTHESIS OF ADENOSYLCOBALAMIN, cblB TYPE; Vitamin B12-responsive methylmalonic acidemia type cblB; Methylmalonic acidemia cblB type. Identifiers: Orphanet 28, Orphanet 79311, MedGen C1855102, MONDO:0009614, OMIM 251110.

Submission:

Labcorp Genetics (formerly Invitae), Labcorp
Classification: Pathogenic for Methylmalonic aciduria, cblB type. Last evaluated: 2021-07-14. Review status: criteria provided, single submitter. Criteria: Invitae Variant Classification Sherloc (09022015). Collection method: clinical testing. Allele origin: germline.
Comment: This variant is not present in population databases (ExAC no frequency). For these reasons, this variant has been classified as Pathogenic. This variant has not been reported in the literature in individuals affected with MMAB-related conditions. This sequence change creates a premature translational stop signal (p.Phe110Leufs*31) in the MMAB gene. It is expected to result in an absent or disrupted protein product. Loss-of-function variants in MMAB are known to be pathogenic (PMID: 15781192, 16410054).

Literature cited by the submitters: PubMed 15781192; PubMed 16410054.

NM_052845.4(MMAB):c.330del (p.Phe110fs)

Gene: MMAB (metabolism of cobalamin associated B; minus strand). Cytogenetic location: 12q24.11.
Variant type: Deletion.
Coding change: c.330del on transcript NM_052845.4 (MANE Select); coding-DNA position 330, one base deleted (T; older notation c.330delT).
Protein change: p.Phe110fs; shifts the reading frame from phenylalanine 110.
Molecular consequence: frameshift variant. On other transcripts: non-coding transcript variant (1).
Genome position (GRCh38, 1-based): chr12:109,565,137, A deleted on the plus strand (T on the coding strand, the reverse complement: MMAB is on the minus strand); the first of 3 consecutive A bases (chr12:109,565,137-109,565,139); deleting any one gives the same sequence. VCF-style (leftmost placement, unchanged base first): chr12-109565136-CA-C. GRCh37 (hg19) VCF-style: chr12-110002941-CA-C.
Other names: short protein forms F110fs.
Identifiers: ClinVar variation 1399066 (VCV001399066.6), dbSNP rs2136203888, ClinGen allele CA2573148010.